The following is an entry in ClinVar:

ClinVar aggregate classification (germline): Uncertain significance. Review status: criteria provided, multiple submitters, no conflicts (2 of 4 stars). 2 submissions from 2 submitters: Uncertain significance (2). Last evaluated 2024-10-24.

Conditions:
Familial adenomatous polyposis 1 (FAP1). Also called: POLYPOSIS, ADENOMATOUS INTESTINAL; FAMILIAL ADENOMATOUS POLYPOSIS 1, ATTENUATED. Identifiers: MedGen C2713442, MONDO:0021056, OMIM 175100. Disease mechanism: loss of function.
Hereditary cancer-predisposing syndrome. Also called: Hereditary neoplastic syndrome; Tumor predisposition; Neoplastic Syndromes, Hereditary; Hereditary Cancer Syndrome. Identifiers: Orphanet 140162, MedGen C0027672, MeSH D009386, MONDO:0015356.

Allele frequency attached by ClinVar (database versions not stated): gnomAD 0.00001.
gnomAD v4.1: 1 of 1,613,964 alleles (0.000062%); highest among the groups gnomAD compares: African/African-American, 0.0013%; no homozygotes.

Submissions (2):

Ambry Genetics
Classification: Uncertain significance for Hereditary cancer-predisposing syndrome. Last evaluated: 2024-10-24. Review status: criteria provided, single submitter. Criteria: Ambry Variant Classification Scheme 2023. Collection method: clinical testing. Allele origin: germline.
Comment: The p.T1023I variant (also known as c.3068C>T), located in coding exon 15 of the APC gene, results from a C to T substitution at nucleotide position 3068. The threonine at codon 1023 is replaced by isoleucine, an amino acid with similar properties. This amino acid position is highly conserved in available vertebrate species. In addition, in silico predictors for this gene do not accurately predict pathogenicity. Since supporting evidence is limited at this time, the clinical significance of this alteration remains unclear.

Labcorp Genetics (formerly Invitae), Labcorp
Classification: Uncertain significance for Familial adenomatous polyposis 1. Last evaluated: 2024-09-09. Review status: criteria provided, single submitter. Criteria: Invitae Variant Classification Sherloc (09022015). Collection method: clinical testing. Allele origin: germline.
Comment: This sequence change replaces threonine, which is neutral and polar, with isoleucine, which is neutral and non-polar, at codon 1023 of the APC protein (p.Thr1023Ile). This variant is not present in population databases (gnomAD no frequency). This variant has not been reported in the literature in individuals affected with APC-related conditions. ClinVar contains an entry for this variant (Variation ID: 570549). Invitae Evidence Modeling of protein sequence and biophysical properties (such as structural, functional, and spatial information, amino acid conservation, physicochemical variation, residue mobility, and thermodynamic stability) indicates that this missense variant is not expected to disrupt APC protein function with a negative predictive value of 95%. In summary, the available evidence is currently insufficient to determine the role of this variant in disease. Therefore, it has been classified as a Variant of Uncertain Significance.

NM_000038.6(APC):c.3068C>T (p.Thr1023Ile)

Gene: APC (APC regulator of Wnt signaling pathway; plus strand). Cytogenetic location: 5q22.2.
Variant type: single nucleotide variant.
Coding change: c.3068C>T on transcript NM_000038.6 (MANE Select); coding-DNA position 3068, C replaced by T.
Protein change: p.Thr1023Ile; replaces threonine 1023 with isoleucine.
Molecular consequence: missense variant.
Genome position (GRCh38, 1-based): chr5:112,838,662, C>T. VCF-style: chr5-112838662-C-T. GRCh37 (hg19) VCF-style: chr5-112174359-C-T.
Other names: c.3068C>T, p.Thr1023Ile (NM_001127510.3, NM_001354895.2); c.3014C>T, p.Thr1005Ile (NM_001127511.3); c.3122C>T, p.Thr1041Ile (NM_001354896.2); c.3098C>T, p.Thr1033Ile (NM_001354897.2); c.2993C>T, p.Thr998Ile (NM_001354898.2); c.2984C>T, p.Thr995Ile (NM_001354899.2); c.2945C>T, p.Thr982Ile (NM_001354900.2); c.2891C>T, p.Thr964Ile (NM_001354901.2); and 5 more; short protein forms T1023I, T1005I, T1041I, T740I, T897I, T922I, T932I, T982I.
Identifiers: ClinVar variation 570549 (VCV000570549.13), dbSNP rs1561581690, ClinGen allele CA16028055.